The following is an entry in ClinVar:

NM_000138.5(FBN1):c.3897G>A (p.Thr1299=)

Gene: FBN1 (fibrillin 1; minus strand). Cytogenetic location: 15q21.1.
Variant type: single nucleotide variant.
Coding change: c.3897G>A on transcript NM_000138.5 (MANE Select); coding-DNA position 3897, G replaced by A.
Protein change: p.Thr1299=; no amino-acid change (threonine 1299 retained).
Molecular consequence: synonymous variant.
Genome position (GRCh38, 1-based): chr15:48,481,722, C>T on the plus strand (G>A on the coding strand, the complement: FBN1 is on the minus strand). VCF-style: chr15-48481722-C-T. GRCh37 (hg19) VCF-style: chr15-48773919-C-T.
Identifiers: ClinVar variation 629869 (VCV000629869.11), dbSNP rs771283158, ClinGen allele CA051677.

ClinVar aggregate classification (germline): Likely benign. Review status: criteria provided, multiple submitters, no conflicts (2 of 4 stars). 6 submissions from 6 submitters: Likely benign (6). Last evaluated 2026-09-21.

Conditions:
Familial thoracic aortic aneurysm and aortic dissection (TAAD). Also called: Thoracic aortic aneurysms and dissections. Identifiers: Orphanet 91387, MedGen C4707243, MONDO:0019625.
Marfan syndrome (MFS). Also called: Marfan syndrome type 1; Marfan's syndrome; FBN1-Related Marfan Syndrome; Marfan syndrome, classic; MARFAN SYNDROME, TYPE I. Identifiers: Orphanet 284963, Orphanet 558, MedGen C0024796, MONDO:0007947, OMIM 154700.

Allele frequency attached by ClinVar (database versions not stated): gnomAD 0.00001; gnomAD exomes 0.00001; TOPMed below 0.00001; ExAC 0.00001.
gnomAD v4.1: 15 of 1,613,642 alleles (0.00093%); highest among the groups gnomAD compares: South Asian, 0.0066%; no homozygotes.

Submissions (6):

Molecular Diagnostic Laboratory for Inherited Cardiovascular Disease, Montreal Heart Institute
Classification: Likely benign. Last evaluated: 2026-09-21. Review status: criteria provided, single submitter. Criteria: ACMG Guidelines, 2015. Collection method: clinical testing. Allele origin: germline. Affected: no.

Labcorp Genetics (formerly Invitae), Labcorp
Classification: Likely benign for Marfan syndrome; Familial thoracic aortic aneurysm and aortic dissection. Last evaluated: 2025-07-18. Review status: criteria provided, single submitter. Criteria: Invitae Variant Classification Sherloc (09022015). Collection method: clinical testing. Allele origin: germline.

Women's Health and Genetics/Laboratory Corporation of America, LabCorp
Classification: Likely benign. Last evaluated: 2024-07-28. Review status: criteria provided, single submitter. Criteria: LabCorp Variant Classification Summary - May 2015. Collection method: clinical testing. Allele origin: germline.

All of Us Research Program, National Institutes of Health
Classification: Likely benign for Marfan syndrome. Last evaluated: 2024-05-30. Review status: criteria provided, single submitter. Criteria: ACMG Guidelines, 2015. Collection method: clinical testing. Allele origin: germline. Inheritance: Autosomal dominant inheritance. Observed: 1 variant allele, 1 heterozygote.
Comment: This study involves interpretation of variants in research participants for the purpose of population health screening. Participant phenotype was not available at the time of variant classification. Additional details can be found in publication PMID: 35346344, PMCID: PMC8962531

Ambry Genetics
Classification: Likely benign for Familial thoracic aortic aneurysm and aortic dissection. Last evaluated: 2023-01-01. Review status: criteria provided, single submitter. Criteria: Ambry Variant Classification Scheme 2023. Collection method: clinical testing. Allele origin: germline.

Color Diagnostics, LLC DBA Color Health
Classification: Likely benign for Familial thoracic aortic aneurysm and aortic dissection. Last evaluated: 2018-10-30. Review status: criteria provided, single submitter. Criteria: ACMG Guidelines, 2015. Collection method: clinical testing. Allele origin: germline.